The following is an entry in ClinVar:

ClinVar aggregate classification (germline): Conflicting classifications of pathogenicity. Review status: criteria provided, conflicting classifications (1 of 4 stars). 2 submissions from 2 submitters: Uncertain significance (1); Likely benign (1). Last evaluated 2026-05-05.

Conditions:
Hereditary cancer-predisposing syndrome. Also called: Tumor predisposition; Hereditary neoplastic syndrome; Neoplastic Syndromes, Hereditary; Hereditary Cancer Syndrome. Identifiers: Orphanet 140162, MedGen C0027672, MeSH D009386, MONDO:0015356.
Cardiovascular phenotype. Identifiers: MedGen CN230736.
Neurofibromatosis, type 1 (NF1). Also called: Neurofibromatosis, type I; Peripheral type neurofibromatosis; VON RECKLINGHAUSEN DISEASE; NEUROFIBROMATOSIS, TYPE I, SOMATIC. Identifiers: Orphanet 636, MedGen C0027831, MONDO:0018975, OMIM 162200. Disease mechanism: loss of function.

Submissions (2):

Ambry Genetics
Classification: Likely benign for Cardiovascular phenotype; Hereditary cancer-predisposing syndrome. Last evaluated: 2026-05-05. Review status: criteria provided, single submitter. Criteria: Ambry Variant Classification Scheme 2023. Collection method: clinical testing. Allele origin: germline.

Labcorp Genetics (formerly Invitae), Labcorp
Classification: Uncertain significance for Neurofibromatosis, type 1. Last evaluated: 2024-07-09. Review status: criteria provided, single submitter. Criteria: Invitae Variant Classification Sherloc (09022015). Collection method: clinical testing. Allele origin: germline.
Comment: This sequence change replaces alanine, which is neutral and non-polar, with threonine, which is neutral and polar, at codon 671 of the NF1 protein (p.Ala671Thr). This variant is not present in population databases (gnomAD no frequency). This variant has not been reported in the literature in individuals affected with NF1-related conditions. Advanced modeling of protein sequence and biophysical properties (such as structural, functional, and spatial information, amino acid conservation, physicochemical variation, residue mobility, and thermodynamic stability) performed at Invitae indicates that this missense variant is not expected to disrupt NF1 protein function with a negative predictive value of 95%. In summary, the available evidence is currently insufficient to determine the role of this variant in disease. Therefore, it has been classified as a Variant of Uncertain Significance.

NM_001042492.3(NF1):c.2011G>A (p.Ala671Thr)

Gene: NF1 (neurofibromin 1; plus strand). Cytogenetic location: 17q11.2.
Variant type: single nucleotide variant.
Coding change: c.2011G>A on transcript NM_001042492.3 (MANE Select); coding-DNA position 2011, G replaced by A.
Protein change: p.Ala671Thr; replaces alanine 671 with threonine.
Molecular consequence: missense variant.
Genome position (GRCh38, 1-based): chr17:31,226,444, G>A. VCF-style: chr17-31226444-G-A. GRCh37 (hg19) VCF-style: chr17-29553462-G-A.
Other names: c.2011G>A, p.Ala671Thr (NM_000267.4); short protein forms A671T.
Identifiers: ClinVar variation 2806052 (VCV002806052.5), dbSNP rs2151425535, ClinGen allele CA398982009.